The following is an entry in ClinVar:

NM_032578.4(MYPN):c.602A>C (p.Asp201Ala)

Gene: MYPN (myopalladin; plus strand). Cytogenetic location: 10q21.3.
Variant type: single nucleotide variant.
Coding change: c.602A>C on transcript NM_032578.4 (MANE Select); coding-DNA position 602, A replaced by C.
Protein change: p.Asp201Ala; replaces aspartic acid 201 with alanine.
Molecular consequence: missense variant. On other transcripts: 5 prime UTR variant (1), non-coding transcript variant (1).
Genome position (GRCh38, 1-based): chr10:68,122,040, A>C. VCF-style: chr10-68122040-A-C. GRCh37 (hg19) VCF-style: chr10-69881797-A-C.
Other names: c.602A>C, p.Asp201Ala (NM_001256267.2); c.-521A>C (NM_001256268.2); c.602A>C (NM_032578.2); short protein forms D201A.
Identifiers: ClinVar variation 241711 (VCV000241711.8), dbSNP rs754204322, ClinGen allele CA5522296.

ClinVar aggregate classification (germline): Uncertain significance. Review status: criteria provided, multiple submitters, no conflicts (2 of 4 stars). 2 submissions from 2 submitters: Uncertain significance (2). Last evaluated 2023-12-10.

Conditions:
Cardiovascular phenotype. Identifiers: MedGen CN230736.
Dilated cardiomyopathy 1KK (CMD1KK). Identifiers: Orphanet 154, Orphanet 75249, MedGen C3714995, MONDO:0014100, OMIM 615248.

Allele frequency attached by ClinVar (database versions not stated): gnomAD exomes below 0.00001 and 0.00001; ExAC 0.00001.
gnomAD v4.1: 12 of 1,614,230 alleles (0.00074%); highest among the groups gnomAD compares: Non-Finnish European, 0.001%; no homozygotes.

Submissions (2):

Ambry Genetics
Classification: Uncertain significance for Cardiovascular phenotype. Last evaluated: 2023-12-10. Review status: criteria provided, single submitter. Criteria: Ambry Variant Classification Scheme 2023. Collection method: clinical testing. Allele origin: germline.
Comment: The p.D201A variant (also known as c.602A>C), located in coding exon 1 of the MYPN gene, results from an A to C substitution at nucleotide position 602. The aspartic acid at codon 201 is replaced by alanine, an amino acid with dissimilar properties. This amino acid position is conserved. In addition, this alteration is predicted to be tolerated by in silico analysis. Since supporting evidence is limited at this time, the clinical significance of this alteration remains unclear.

Labcorp Genetics (formerly Invitae), Labcorp
Classification: Uncertain significance for Dilated cardiomyopathy 1KK. Last evaluated: 2022-08-16. Review status: criteria provided, single submitter. Criteria: Invitae Variant Classification Sherloc (09022015). Collection method: clinical testing. Allele origin: germline.
Comment: This sequence change replaces aspartic acid, which is acidic and polar, with alanine, which is neutral and non-polar, at codon 201 of the MYPN protein (p.Asp201Ala). This variant is not present in population databases (gnomAD no frequency). This variant has not been reported in the literature in individuals affected with MYPN-related conditions. ClinVar contains an entry for this variant (Variation ID: 241711). Algorithms developed to predict the effect of missense changes on protein structure and function output the following: SIFT: "Tolerated"; PolyPhen-2: "Benign"; Align-GVGD: "Class C0". The alanine amino acid residue is found in multiple mammalian species, which suggests that this missense change does not adversely affect protein function. In summary, the available evidence is currently insufficient to determine the role of this variant in disease. Therefore, it has been classified as a Variant of Uncertain Significance.